The following is an entry in ClinVar:

ClinVar aggregate classification (germline): Uncertain significance (1 of 4 stars; one submission).

Conditions:
Spastic paraplegia. Identifiers: MedGen C0037772, HP:0001258.

Submission:

Labcorp Genetics (formerly Invitae), Labcorp
Classification: Uncertain significance for Spastic paraplegia. Last evaluated: 2023-06-07. Review status: criteria provided, single submitter. Criteria: Invitae Variant Classification Sherloc (09022015). Collection method: clinical testing. Allele origin: germline.
Comment: This variant has not been reported in the literature in individuals affected with KIF5A-related conditions. In summary, the available evidence is currently insufficient to determine the role of this variant in disease. Therefore, it has been classified as a Variant of Uncertain Significance. Experimental studies and prediction algorithms are not available or were not evaluated, and the functional significance of this variant is currently unknown. ClinVar contains an entry for this variant (Variation ID: 1473260). This variant is not present in population databases (gnomAD no frequency). This variant, c.1042_1044del, results in the deletion of 1 amino acid(s) of the KIF5A protein (p.Lys348del), but otherwise preserves the integrity of the reading frame.

NM_004984.4(KIF5A):c.1042_1044del (p.Lys348del)

Gene: KIF5A (kinesin family member 5A; plus strand). Cytogenetic location: 12q13.3.
Variant type: Deletion.
Coding change: c.1042_1044del on transcript NM_004984.4 (MANE Select); coding-DNA positions 1042 to 1044, 3 bases deleted (AAG; older notation c.1042_1044delAAG).
Protein change: p.Lys348del; deletes lysine 348.
Molecular consequence: inframe deletion.
Genome position (GRCh38, 1-based): chr12:57,569,608-57,569,610, AAG deleted; deleting any 3 consecutive bases within chr12:57,569,606-57,569,610 gives the same sequence; the c. name uses the placement nearest the transcript's 3' end. VCF-style (leftmost placement, unchanged base first): chr12-57569605-GAGA-G. GRCh37 (hg19) VCF-style: chr12-57963388-GAGA-G.
Other names: c.775_777del, p.Lys259del (NM_001354705.2); short protein forms K259del, K348del.
Identifiers: ClinVar variation 1473260 (VCV001473260.8), dbSNP rs2140163232, ClinGen allele CA2573148866.
Genomic context (GRCh38, chr12:57,569,605, plus strand): 5'-ATTAAGAACACTGCCTCAGTAAATTTGGAGTTGACTGCTGAGCAGTGGAAGAAGAAATAT[GAGA>G]AGGAGAAGGAGAAGACAAAGGCCCAGAAGGAGACGATTGCGAAGCTGGAGGCTGAGCTGA-3'